The following is an entry in ClinVar:

NM_015047.3(EMC1):c.2303G>A (p.Arg768His)

Genes: EMC1 (ER membrane protein complex subunit 1; minus strand), EMC1-AS1 (EMC1 antisense RNA 1; plus strand). Cytogenetic location: 1p36.13.
Variant type: single nucleotide variant.
Coding change: c.2303G>A on transcript NM_015047.3 (MANE Select); coding-DNA position 2303, G replaced by A.
Protein change: p.Arg768His; replaces arginine 768 with histidine.
Molecular consequence: missense variant.
Genome position (GRCh38, 1-based): chr1:19,223,469, C>T on the plus strand (G>A on the coding strand, the complement: EMC1 is on the minus strand). VCF-style: chr1-19223469-C-T. GRCh37 (hg19) VCF-style: chr1-19549963-C-T.
Other names: c.2303G>A (NM_015047.1); c.2300G>A, p.Arg767His (NM_001271427.2, NM_001271428.2); c.2237G>A, p.Arg746His (NM_001271429.2); c.2312G>A, p.Arg771His (NM_001375820.1); c.2309G>A, p.Arg770His (NM_001375821.1); short protein forms R746H, R767H, R770H, R768H, R771H.
Identifiers: ClinVar variation 971134 (VCV000971134.11), dbSNP rs527601179, ClinGen allele CA652325.
Genomic context (GRCh38, chr1:19,223,469, plus strand): 5'-TCTGAATGCACGATATGGACAGGGCCTTTGGCTTTCTTCTGCACAGAGGAGTGAATGATA[C>T]GCCCAGTGACGCCATCAATGAGGAAGATGCCAATAAAGGTGCGCTCATGGTGCGCGTCTG-3'
Protein context (NP_055862.1, residues 758-778): GIFLIDGVTG[Arg768His]IIHSSVQKKA

ClinVar aggregate classification (germline): Uncertain significance. Review status: criteria provided, multiple submitters, no conflicts (2 of 4 stars). 3 submissions from 3 submitters: Uncertain significance (3). Last evaluated 2026-01-28.

Conditions:
Inborn genetic diseases. Identifiers: MedGen C0950123, MeSH D030342.

Allele frequency attached by ClinVar (database versions not stated): gnomAD exomes 0.00003 and 0.00004; TOPMed 0.00003; gnomAD 0.00004; ExAC 0.00005.
gnomAD v4.1: 56 of 1,614,016 alleles (0.0035%); highest among the groups gnomAD compares: Middle Eastern, 0.016%; no homozygotes.

Submissions (3):

Labcorp Genetics (formerly Invitae), Labcorp
Classification: Uncertain significance. Last evaluated: 2026-01-28. Review status: criteria provided, single submitter. Criteria: Invitae Variant Classification Sherloc (09022015). Collection method: clinical testing. Allele origin: germline.
Comment: This sequence change replaces arginine, which is basic and polar, with histidine, which is basic and polar, at codon 768 of the EMC1 protein (p.Arg768His). This variant is present in population databases (rs527601179, gnomAD 0.01%). This variant has not been reported in the literature in individuals affected with EMC1-related conditions. ClinVar contains an entry for this variant (Variation ID: 971134). Invitae Evidence Modeling of protein sequence and biophysical properties (such as structural, functional, and spatial information, amino acid conservation, physicochemical variation, residue mobility, and thermodynamic stability) has been performed for this missense variant. However, the output from this modeling did not meet the statistical confidence thresholds required to predict the impact of this variant on EMC1 protein function. In summary, the available evidence is currently insufficient to determine the role of this variant in disease. Therefore, it has been classified as a Variant of Uncertain Significance.

Ambry Genetics
Classification: Uncertain significance for Inborn genetic diseases. Last evaluated: 2025-06-19. Review status: criteria provided, single submitter. Criteria: Ambry Variant Classification Scheme 2023. Collection method: clinical testing. Allele origin: germline.

Blueprint Genetics
Classification: Uncertain significance. Last evaluated: 2023-08-22. Review status: criteria provided, single submitter. Criteria: ACMG Guidelines, 2015. Collection method: clinical testing. Allele origin: germline.